The following is an entry in ClinVar:

NM_000368.5(TSC1):c.3044A>G (p.Asn1015Ser)

Gene: TSC1 (TSC complex subunit 1; minus strand). Cytogenetic location: 9q34.13.
Variant type: single nucleotide variant.
Coding change: c.3044A>G on transcript NM_000368.5 (MANE Select); coding-DNA position 3044, A replaced by G.
Protein change: p.Asn1015Ser; replaces asparagine 1015 with serine.
Molecular consequence: missense variant. On other transcripts: non-coding transcript variant (5).
Genome position (GRCh38, 1-based): chr9:132,896,686, T>C on the plus strand (A>G on the coding strand, the complement: TSC1 is on the minus strand). VCF-style: chr9-132896686-T-C. GRCh37 (hg19) VCF-style: chr9-135772073-T-C.
Other names: c.2639A>G, p.Asn880Ser (NM_001406624.1); c.2636A>G, p.Asn879Ser (NM_001406625.1); c.2093A>G, p.Asn698Ser (NM_001406626.1); c.2090A>G, p.Asn697Ser (NM_001406627.1, NM_001406628.1); c.1991A>G, p.Asn664Ser (NM_001406629.1, NM_001406630.1); c.3041A>G, p.Asn1014Ser (NM_001162426.2, NM_001406597.1, NM_001406598.1 and 2 more transcripts); c.2891A>G, p.Asn964Ser (NM_001162427.2, NM_001406610.1); c.2681A>G, p.Asn894Ser (NM_001362177.2, NM_001406614.1, NM_001406615.1 and 4 more transcripts); and 8 more; short protein forms N1009S, N1010S, N1015S, N698S, N894S, N949S, N964S, N697S.
Identifiers: ClinVar variation 2751055 (VCV002751055.4), dbSNP rs2131613702, ClinGen allele CA375367735.

ClinVar aggregate classification (germline): Uncertain significance. Review status: criteria provided, multiple submitters, no conflicts (2 of 4 stars). 2 submissions from 2 submitters: Uncertain significance (2). Last evaluated 2024-08-04.

Conditions:
Tuberous sclerosis syndrome (TSC). Also called: Tuberous Sclerosis Complex; Tuberous sclerosis. Identifiers: Orphanet 805, MedGen C0041341, MONDO:0001734.
Tuberous sclerosis 1 (TSC1). Identifiers: Orphanet 805, MedGen C1854465, MONDO:0008612, OMIM 191100.

Allele frequency attached by ClinVar (database versions not stated): gnomAD exomes below 0.00001.

Submissions (2):

Labcorp Genetics (formerly Invitae), Labcorp
Classification: Uncertain significance for Tuberous sclerosis 1. Last evaluated: 2024-08-04. Review status: criteria provided, single submitter. Criteria: Invitae Variant Classification Sherloc (09022015). Collection method: clinical testing. Allele origin: germline.
Comment: This sequence change replaces asparagine, which is neutral and polar, with serine, which is neutral and polar, at codon 1015 of the TSC1 protein (p.Asn1015Ser). This variant is not present in population databases (gnomAD no frequency). This variant has not been reported in the literature in individuals affected with TSC1-related conditions. Advanced modeling of protein sequence and biophysical properties (such as structural, functional, and spatial information, amino acid conservation, physicochemical variation, residue mobility, and thermodynamic stability) performed at Invitae indicates that this missense variant is not expected to disrupt TSC1 protein function with a negative predictive value of 95%. In summary, the available evidence is currently insufficient to determine the role of this variant in disease. Therefore, it has been classified as a Variant of Uncertain Significance.

All of Us Research Program, National Institutes of Health
Classification: Uncertain significance for Tuberous sclerosis syndrome. Last evaluated: 2023-04-27. Review status: criteria provided, single submitter. Criteria: ACMG Guidelines, 2015. Collection method: clinical testing. Allele origin: germline. Inheritance: Autosomal dominant inheritance. Observed: 1 variant allele, 1 heterozygote.
Comment: This study involves interpretation of variants in research participants for the purpose of population health screening. Participant phenotype was not available at the time of variant classification. Additional details can be found in publication PMID: 35346344, PMCID: PMC8962531